The following is an entry in ClinVar:

ClinVar aggregate classification (germline): Uncertain significance (1 of 4 stars; one submission).

gnomAD v4.1: 3 of 1,170,700 alleles (0.00026%); highest among the groups gnomAD compares: Non-Finnish European, 0.00034%; no homozygotes.

Submission:

GeneDx
Classification: Uncertain significance. Last evaluated: 2023-09-22. Review status: criteria provided, single submitter. Criteria: GeneDx Variant Classification Process June 2021. Collection method: clinical testing. Allele origin: germline. Affected: yes.
Comment: In silico analysis supports that this missense variant does not alter protein structure/function; Has not been previously published as pathogenic or benign to our knowledge; Variants in candidate genes are classified as variants of uncertain significance in accordance with ACMG guidelines (Richards et al., 2015)

NM_014370.4(SRPK3):c.699G>C (p.Glu233Asp)

Gene: SRPK3 (SRSF protein kinase 3; plus strand). Cytogenetic location: Xq28.
Variant type: single nucleotide variant.
Coding change: c.699G>C on transcript NM_014370.4 (MANE Select); coding-DNA position 699, G replaced by C.
Protein change: p.Glu233Asp; replaces glutamic acid 233 with aspartic acid.
Molecular consequence: missense variant.
Genome position (GRCh38, 1-based): chrX:153,783,069, G>C. VCF-style: chrX-153783069-G-C. GRCh37 (hg19) VCF-style: chrX-153048524-G-C.
Other names: c.699G>C, p.Glu233Asp (NM_001170760.2, NM_001170761.2); short protein forms E233D.
Identifiers: ClinVar variation 3600700 (VCV003600700.1).
Genomic context (GRCh38, chrX:153,783,069, plus strand): 5'-CAAGCCCGAGAACATCTTGCTGTGTGTGGGGGACGCTTACATCAGGCGCCTGGCTGCCGA[G>C]GCCACGGAGTGGCAACAGGCAGGGGCGCCGCCCCCCTCCCGCTCCATAGGTACCAAGGGC-3'
Protein context (NP_055185.2, residues 223-243): GDAYIRRLAA[Glu233Asp]ATEWQQAGAP